The following is an entry in ClinVar:

ClinVar aggregate classification (germline): Pathogenic (1 of 4 stars; one submission).

Conditions:
Hereditary breast ovarian cancer syndrome. Also called: Hereditary breast and ovarian cancer syndrome; BRCA1- and BRCA2-Associated Hereditary Breast and Ovarian Cancer; Breast and ovarian cancer; Hereditary breast and ovarian cancer; Hereditary breast and ovarian cancer syndrome (HBOC); Hereditary breast and/or ovarian cancer syndrome. Identifiers: Orphanet 145, MedGen C0677776, MeSH D061325, MONDO:0003582. Disease mechanism: loss of function.

Submission:

German Consortium for Hereditary Breast and Ovarian Cancer, University Hospital Cologne
Classification: Pathogenic for Hereditary breast ovarian cancer syndrome. Last evaluated: 2024-08-13. Review status: criteria provided, single submitter. Criteria: ClinGen BRCA1 V1.1.0. Collection method: curation. Allele origin: germline.
Comment: According to the ClinGen ENIGMA BRCA1 v1.1.0 criteria we chose these criteria: PVS1 (very strong pathogenic): As per ENIGMA PVS1 decision tree and table 4, PM2 (supporting pathogenic): not in gnomAD, PM5 (strong pathogenic): As per ENIGMA PVS1 decision tree and table 4

NM_007294.4(BRCA1):c.5526dup (p.Ala1843fs)

Gene: BRCA1 (BRCA1 DNA repair associated; minus strand). Cytogenetic location: 17q21.31.
Variant type: Duplication.
Coding change: c.5526dup on transcript NM_007294.4 (MANE Select); coding-DNA position 5526, one base duplicated (A; older notation c.5526dupA).
Protein change: p.Ala1843fs; shifts the reading frame from alanine 1843.
Molecular consequence: frameshift variant. On other transcripts: 3 prime UTR variant (17).
Genome position (GRCh38, 1-based): chr17:43,045,744, T duplicated on the plus strand (A on the coding strand, the reverse complement: BRCA1 is on the minus strand). VCF-style (leftmost placement, unchanged base first): chr17-43045743-C-CT. GRCh37 (hg19) VCF-style: chr17-41197760-C-CT.
Other names: c.2217dup, p.Ala740fs (NM_001407976.1, NM_001407977.1, NM_001407978.1 and 3 more transcripts); c.2214dup, p.Ala739fs (NM_001407981.1, NM_001407979.1, NM_001407980.1 and 10 more transcripts); c.5385dup, p.Ala1796fs (NM_007297.4, NM_001407692.1, NM_001407694.1 and 12 more transcripts); c.*40dup (NM_007299.4, NM_001408472.1, NM_001408473.1 and 14 more transcripts); c.5589dup, p.Ala1864fs (NM_007300.4, NM_001407583.1, NM_001407585.1 and 1 more transcripts); c.4635dup, p.Ala1546fs (NM_001407967.1); c.2922dup, p.Ala975fs (NM_001407968.1); c.2919dup, p.Ala974fs (NM_001407969.1); and 74 more; short protein forms A1546fs, A1547fs, A1674fs, A1689fs, A1714fs, A1715fs, A1716fs, A1730fs.
Identifiers: ClinVar variation 3338418 (VCV003338418.2).